The following is an entry in ClinVar:

NM_020708.5(SLC12A5):c.1243A>G (p.Met415Val)

Gene: SLC12A5 (solute carrier family 12 member 5; plus strand). Cytogenetic location: 20q13.12.
Variant type: single nucleotide variant.
Coding change: c.1243A>G on transcript NM_020708.5 (MANE Select); coding-DNA position 1243, A replaced by G.
Protein change: p.Met415Val; replaces methionine 415 with valine.
Molecular consequence: missense variant.
Genome position (GRCh38, 1-based): chr20:46,043,638, A>G. VCF-style: chr20-46043638-A-G. GRCh37 (hg19) VCF-style: chr20-44672277-A-G.
Other names: c.1312A>G, p.Met438Val (NM_001134771.2); short protein forms M415V, M438V.
Identifiers: ClinVar variation 623497 (VCV000623497.7), dbSNP rs368484023, ClinGen allele CA409192656.

ClinVar aggregate classification (germline): Uncertain significance. Review status: criteria provided, single submitter (1 of 4 stars). 2 submissions from 2 submitters: Uncertain significance (1). 1 of the submissions does not count toward it. Last evaluated 2022-05-12.

Conditions:
Developmental and epileptic encephalopathy, 34 (DEE34). Also called: Early infantile epileptic encephalopathy 34; SLC12A5-Related Epilepsy of Infancy with Migrating Focal Seizures. Identifiers: Orphanet 293181, MedGen C4225257, MONDO:0014718, OMIM 616645.

Submissions (2):

Labcorp Genetics (formerly Invitae), Labcorp
Classification: Uncertain significance for Developmental and epileptic encephalopathy, 34. Last evaluated: 2022-05-12. Review status: criteria provided, single submitter. Criteria: Invitae Variant Classification Sherloc (09022015). Collection method: clinical testing. Allele origin: germline.
Comment: This variant is not present in population databases (gnomAD no frequency). This sequence change replaces methionine, which is neutral and non-polar, with valine, which is neutral and non-polar, at codon 415 of the SLC12A5 protein (p.Met415Val). This missense change has been observed in individual(s) with SLC12A5-related conditions (PMID: 27436767). Experimental studies have shown that this missense change affects SLC12A5 function (PMID: 27436767). Advanced modeling of protein sequence and biophysical properties (such as structural, functional, and spatial information, amino acid conservation, physicochemical variation, residue mobility, and thermodynamic stability) performed at Invitae indicates that this missense variant is expected to disrupt SLC12A5 protein function. ClinVar contains an entry for this variant (Variation ID: 623497). In summary, the available evidence is currently insufficient to determine the role of this variant in disease. Therefore, it has been classified as a Variant of Uncertain Significance.

GeneReviews
No classification provided. Condition: Developmental and epileptic encephalopathy, 34. Review status: no classification provided. Collection method: literature only. Allele origin: germline. Not counted in ClinVar's aggregate classification.

Literature cited by the submitters: PubMed 27436767 (cited by Labcorp Genetics (formerly Invitae), Labcorp); NCBI Bookshelf NBK537476 (cited by GeneReviews); PubMed 30763027 (cited by GeneReviews).